The following is an entry in ClinVar:

NM_000487.6(ARSA):c.1429A>T (p.Ser477Cys)

Gene: ARSA (arylsulfatase A; minus strand). Cytogenetic location: 22q13.33.
Variant type: single nucleotide variant.
Coding change: c.1429A>T on transcript NM_000487.6 (MANE Select); coding-DNA position 1429, A replaced by T.
Protein change: p.Ser477Cys; replaces serine 477 with cysteine.
Molecular consequence: missense variant.
Genome position (GRCh38, 1-based): chr22:50,625,246, T>A on the plus strand (A>T on the coding strand, the complement: ARSA is on the minus strand). VCF-style: chr22-50625246-T-A. GRCh37 (hg19) VCF-style: chr22-51063674-T-A.
Other names: c.1429A>T, p.Ser477Cys (NM_001085425.3, NM_001085426.3, NM_001085427.3); c.1171A>T, p.Ser391Cys (NM_001085428.3, NM_001362782.2); short protein forms S391C, S477C.
Identifiers: ClinVar variation 2415334 (VCV002415334.6), dbSNP rs1430388166, ClinGen allele CA412167628.

ClinVar aggregate classification (germline): Uncertain significance. Review status: criteria provided, multiple submitters, no conflicts (2 of 4 stars). 2 submissions from 2 submitters: Uncertain significance (2). Last evaluated 2024-06-07.

Conditions:
Metachromatic leukodystrophy (MLD). Also called: ARSA DEFICIENCY; CEREBROSIDE SULFATASE DEFICIENCY; Cerebral sclerosis diffuse metachromatic form; Arylsulfatase A Deficiency; METACHROMATIC LEUKOENCEPHALOPATHY; SULFATIDE LIPIDOSIS. Identifiers: Orphanet 512, MedGen C0023522, MONDO:0018868, OMIM 250100.

Allele frequency attached by ClinVar (database versions not stated): gnomAD exomes 0.00001.

Submissions (2):

Blueprint Genetics
Classification: Uncertain significance. Last evaluated: 2024-06-07. Review status: criteria provided, single submitter. Criteria: ACMG Guidelines, 2015. Collection method: clinical testing. Allele origin: germline.

Labcorp Genetics (formerly Invitae), Labcorp
Classification: Uncertain significance for Metachromatic leukodystrophy. Last evaluated: 2021-08-31. Review status: criteria provided, single submitter. Criteria: Invitae Variant Classification Sherloc (09022015). Collection method: clinical testing. Allele origin: germline.
Comment: This sequence change replaces serine with cysteine at codon 477 of the ARSA protein (p.Ser477Cys). The serine residue is highly conserved and there is a moderate physicochemical difference between serine and cysteine. This variant is not present in population databases (ExAC no frequency). This variant has not been reported in the literature in individuals affected with ARSA-related conditions. Algorithms developed to predict the effect of missense changes on protein structure and function are either unavailable or do not agree on the potential impact of this missense change (SIFT: "Deleterious"; PolyPhen-2: "Probably Damaging"; Align-GVGD: "Class C15"). In summary, the available evidence is currently insufficient to determine the role of this variant in disease. Therefore, it has been classified as a Variant of Uncertain Significance.